The following is an entry in ClinVar:

NM_003227.4(TFR2):c.88dup (p.Arg30fs)

Gene: TFR2 (transferrin receptor 2; minus strand). Cytogenetic location: 7q22.1.
Variant type: Duplication.
Coding change: c.88dup on transcript NM_003227.4 (MANE Select); coding-DNA position 88, one base duplicated (C; older notation c.88dupC).
Protein change: p.Arg30fs; shifts the reading frame from arginine 30.
Molecular consequence: frameshift variant.
Genome position (GRCh38, 1-based): chr7:100,641,174, G duplicated on the plus strand (C on the coding strand, the reverse complement: TFR2 is on the minus strand); the first of 5 consecutive G bases (chr7:100,641,174-100,641,178); duplicating any one gives the same sequence. VCF-style (leftmost placement, unchanged base first): chr7-100641173-C-CG. GRCh37 (hg19) VCF-style: chr7-100238796-C-CG.
Other names: E60Ter; ins88C; c.88dupC (NM_003227.3); short protein forms R30fs.
Identifiers: ClinVar variation 5381 (VCV000005381.13), dbSNP rs80338877, ClinGen allele CA340409.

ClinVar aggregate classification (germline): Pathogenic. Review status: criteria provided, multiple submitters, no conflicts (2 of 4 stars). 4 submissions from 4 submitters: Pathogenic (2). 2 of the submissions do not count toward it. Last evaluated 2025-05-25.

Conditions:
Hereditary hemochromatosis (HFE). Identifiers: MedGen C0392514, MONDO:0006507. Disease mechanism: loss of function.
Hemochromatosis type 3 (HFE3). Also called: TFR2-Related Hemochromatosis; Hereditary hemochromatosis type 3; HEMOCHROMATOSIS DUE TO DEFECT IN TRANSFERRIN RECEPTOR 2. Identifiers: Orphanet 225123, MedGen C1858664, MONDO:0011417, OMIM 604250.

Submissions (4):

Natera, Inc.
Classification: Pathogenic for Hereditary hemochromatosis type 3. Last evaluated: 2025-05-25. Review status: criteria provided, single submitter. Criteria: Natera Variant Classification Schema (03/2026). Collection method: clinical testing. Allele origin: germline.
Comment: The c.88dupC variant in TFR2 is a frameshift variant predicted to shift the reading frame beginning at codon 30 and leads to a stop codon 31 codons downstream. This variant is expected to result in nonsense mediated decay, truncation, or a dysfunctional protein product. This variant is rare in the general population with a frequency below the threshold expected for the associated phenotype(s). This variant has been observed in one or more individuals affected with the associated recessive disease, as either homozygous or compound heterozygous with a second variant (PMID: 11313241, 26408288). Given the available evidence, this variant is classified as Pathogenic.

Labcorp Genetics (formerly Invitae), Labcorp
Classification: Pathogenic for Hereditary hemochromatosis. Last evaluated: 2024-02-16. Review status: criteria provided, single submitter. Criteria: Invitae Variant Classification Sherloc (09022015). Collection method: clinical testing. Allele origin: germline.
Comment: This sequence change creates a premature translational stop signal (p.Arg30Profs*31) in the TFR2 gene. It is expected to result in an absent or disrupted protein product. Loss-of-function variants in TFR2 are known to be pathogenic (PMID: 23600741, 26029709). This variant is not present in population databases (gnomAD no frequency). This premature translational stop signal has been observed in individual(s) with hemochromatosis (PMID: 11313241, 26408288). It has also been observed to segregate with disease in related individuals. This variant is also known as 84-88 insC (E60X). ClinVar contains an entry for this variant (Variation ID: 5381). For these reasons, this variant has been classified as Pathogenic.

OMIM
Classification: Pathogenic for HEMOCHROMATOSIS, TYPE 3. Last evaluated: 2001-05-01. Review status: no assertion criteria provided. Collection method: literature only. Allele origin: germline. Not counted in ClinVar's aggregate classification.

GeneReviews
No classification provided. Condition: Hemochromatosis type 3. Review status: no classification provided. Collection method: literature only. Allele origin: germline. Not counted in ClinVar's aggregate classification.

Literature cited by the submitters: PubMed 11313241 (cited by 3 submitters); PubMed 26408288 (cited by Natera, Inc. and Labcorp Genetics (formerly Invitae), Labcorp); PubMed 23600741 (cited by Labcorp Genetics (formerly Invitae), Labcorp); PubMed 26029709 (cited by Labcorp Genetics (formerly Invitae), Labcorp); NCBI Bookshelf NBK1349 (cited by GeneReviews).